The following is an entry in ClinVar:

NM_012434.5(SLC17A5):c.401G>T (p.Gly134Val)

Gene: SLC17A5 (solute carrier family 17 member 5; minus strand). Cytogenetic location: 6q13.
Variant type: single nucleotide variant.
Coding change: c.401G>T on transcript NM_012434.5 (MANE Select); coding-DNA position 401, G replaced by T.
Protein change: p.Gly134Val; replaces glycine 134 with valine.
Molecular consequence: missense variant.
Genome position (GRCh38, 1-based): chr6:73,641,815, C>A on the plus strand (G>T on the coding strand, the complement: SLC17A5 is on the minus strand). VCF-style: chr6-73641815-C-A. GRCh37 (hg19) VCF-style: chr6-74351538-C-A.
Other names: c.170G>T, p.Gly57Val (NM_001382629.1, NM_001382636.1); c.401G>T, p.Gly134Val (NM_001382630.1, NM_001382632.1, NM_001382633.1 and 2 more transcripts); c.422G>T, p.Gly141Val (NM_001382631.1); short protein forms G134V, G141V, G57V.
Identifiers: ClinVar variation 2420341 (VCV002420341.6), dbSNP rs2533511139, ClinGen allele CA364718146.
Genomic context (GRCh38, chr6:73,641,815, plus strand): 5'-GGAGTGAACAGGGTGAGGACAGCAGTGCCAAGGATCCCAAATCCTAGCAGCATTTTCCCC[C>A]CTATTTTGCTGGCAACATATCCTCCAGGAATCTGTGTGATGATGTAGCCATAAAAAAAGG-3'
Protein context (NP_036566.1, residues 124-144): IPGGYVASKI[Gly134Val]GKMLLGFGIL

ClinVar aggregate classification (germline): Uncertain significance (1 of 4 stars; one submission).

Conditions:
Salla disease (SD). Also called: Less Severe FSASD (Salla Disease); Sialuria, Finnish type; N-acetylneuraminic acid (NANA) storage disease (NSD); Infantile sialic acid storage disorder (ISSD). Identifiers: Orphanet 309334, Orphanet 834, MedGen C1096903, MONDO:0011449, OMIM 604369.

gnomAD v4.1: 1 of 1,614,156 alleles (0.000062%); highest among the groups gnomAD compares: Non-Finnish European, 0.000085%; no homozygotes.

Submission:

Labcorp Genetics (formerly Invitae), Labcorp
Classification: Uncertain significance for Salla disease. Last evaluated: 2022-04-07. Review status: criteria provided, single submitter. Criteria: Invitae Variant Classification Sherloc (09022015). Collection method: clinical testing. Allele origin: germline.
Comment: This variant is not present in population databases (gnomAD no frequency). This sequence change replaces glycine, which is neutral and non-polar, with valine, which is neutral and non-polar, at codon 134 of the SLC17A5 protein (p.Gly134Val). This variant has not been reported in the literature in individuals affected with SLC17A5-related conditions. Algorithms developed to predict the effect of missense changes on protein structure and function (SIFT, PolyPhen-2, Align-GVGD) all suggest that this variant is likely to be disruptive. In summary, the available evidence is currently insufficient to determine the role of this variant in disease. Therefore, it has been classified as a Variant of Uncertain Significance.